The following is an entry in ClinVar:

ClinVar aggregate classification (germline): Uncertain significance. Review status: criteria provided, multiple submitters, no conflicts (2 of 4 stars). 2 submissions from 2 submitters: Uncertain significance (2). Last evaluated 2024-04-01.

Conditions:
Alagille syndrome due to a NOTCH2 point mutation. Also called: Alagille syndrome 2. Identifiers: Orphanet 261629, Orphanet 52, MedGen C1857761, MONDO:0012439, OMIM 610205.
Hajdu-Cheney syndrome (HJCYS). Also called: Acroosteolysis dominant type; SERPENTINE FIBULA-POLYCYSTIC KIDNEY SYNDROME; ACROOSTEOLYSIS WITH OSTEOPOROSIS AND CHANGES IN SKULL AND MANDIBLE. Identifiers: Orphanet 955, MedGen C0917715, MONDO:0007057, OMIM 102500.

Submissions (2):

Daryl Scott Lab, Baylor College of Medicine
Classification: Uncertain significance for Hajdu-Cheney syndrome. Last evaluated: 2024-04-01. Review status: criteria provided, single submitter. Criteria: ACMG Guidelines, 2015. Collection method: clinical testing. Allele origin: unknown. Observed: 1 heterozygote.
Comment: PM2, PP3

Baylor Genetics
Classification: Uncertain significance for Alagille syndrome due to a NOTCH2 point mutation. Last evaluated: 2020-06-03. Review status: criteria provided, single submitter. Criteria: ACMG Guidelines, 2015. Collection method: clinical testing. Allele origin: unknown. Affected: yes.
Comment: This variant was determined to be of uncertain significance according to ACMG Guidelines, 2015 [PMID:25741868].

NM_024408.4(NOTCH2):c.6325A>G (p.Lys2109Glu)

Gene: NOTCH2 (notch receptor 2; minus strand). Cytogenetic location: 1p12.
Variant type: single nucleotide variant.
Coding change: c.6325A>G on transcript NM_024408.4 (MANE Select); coding-DNA position 6325, A replaced by G.
Protein change: p.Lys2109Glu; replaces lysine 2109 with glutamic acid.
Molecular consequence: missense variant.
Genome position (GRCh38, 1-based): chr1:119,916,397, T>C on the plus strand (A>G on the coding strand, the complement: NOTCH2 is on the minus strand). VCF-style: chr1-119916397-T-C. GRCh37 (hg19) VCF-style: chr1-120459020-T-C.
Other names: short protein forms K2109E.
Identifiers: ClinVar variation 1028813 (VCV001028813.2), dbSNP rs1649072477, ClinGen allele CA341878748.